The following is an entry in ClinVar:

NM_015506.3(MMACHC):c.182G>C (p.Arg61Pro)

Gene: MMACHC (metabolism of cobalamin associated C; plus strand). Cytogenetic location: 1p34.1.
Variant type: single nucleotide variant.
Coding change: c.182G>C on transcript NM_015506.3 (MANE Select); coding-DNA position 182, G replaced by C.
Protein change: p.Arg61Pro; replaces arginine 61 with proline.
Molecular consequence: missense variant.
Genome position (GRCh38, 1-based): chr1:45,507,456, G>C. VCF-style: chr1-45507456-G-C. GRCh37 (hg19) VCF-style: chr1-45973128-G-C.
Other names: c.11G>C, p.Arg4Pro (NM_001330540.2); short protein forms R4P, R61P.
Identifiers: ClinVar variation 854802 (VCV000854802.20), dbSNP rs201777449, ClinGen allele CA340131703.

ClinVar aggregate classification (germline): Pathogenic/Likely pathogenic. Review status: criteria provided, multiple submitters, no conflicts (2 of 4 stars). 4 submissions from 4 submitters: Pathogenic (1); Likely pathogenic (3). Last evaluated 2026-01-16.

Conditions:
Cobalamin C disease. Also called: Methylmalonic aciduria with homocystinuria cblC type; Cobalamin-C methylmalonic acidemia and homocystinuria; Methylmalonic acidemia and homocystinuria cblC type; methylmalonic aciduria and homocystinuria type cblC; Methylmalonic aciduria and homocystinuria, Vitamin B12-responsive; Vitamin B12 metabolic defect with combined deficiency of methylmalonyl-CoA mutase and homocysteine:methyltetrahydrofolate methyltransferase. Identifiers: Orphanet 26, Orphanet 79282, MedGen C1848561, MONDO:0010184, OMIM 277400.

gnomAD v4.1: 8 of 1,613,980 alleles (0.0005%); highest among the groups gnomAD compares: Admixed American, 0.01%; no homozygotes.

Submissions (4):

GeneDx
Classification: Likely pathogenic. Last evaluated: 2026-01-16. Review status: criteria provided, single submitter. Criteria: GeneDx Variant Classification Process June 2021. Collection method: clinical testing. Allele origin: germline. Affected: yes.
Comment: Not observed at significant frequency in large population cohorts (gnomAD); In silico analysis supports that this missense variant has a deleterious effect on protein structure/function; This variant is associated with the following publications: (PMID: 36105582, 28693988)

Labcorp Genetics (formerly Invitae), Labcorp
Classification: Pathogenic for Cobalamin C disease. Last evaluated: 2025-08-28. Review status: criteria provided, single submitter. Criteria: Invitae Variant Classification Sherloc (09022015). Collection method: clinical testing. Allele origin: germline.
Comment: This sequence change replaces arginine, which is basic and polar, with proline, which is neutral and non-polar, at codon 61 of the MMACHC protein (p.Arg61Pro). This variant is present in population databases (no rsID available, gnomAD 0.01%). This missense change has been observed in individual(s) with methylmalonic aciduria with homocystinuria due to cobalamin C deficiency (PMID: 28693988; internal data). ClinVar contains an entry for this variant (Variation ID: 854802). Invitae Evidence Modeling of protein sequence and biophysical properties (such as structural, functional, and spatial information, amino acid conservation, physicochemical variation, residue mobility, and thermodynamic stability) has been performed for this missense variant. However, the output from this modeling did not meet the statistical confidence thresholds required to predict the impact of this variant on MMACHC protein function. For these reasons, this variant has been classified as Pathogenic.

Fulgent Genetics
Classification: Likely pathogenic for Cobalamin C disease. Last evaluated: 2024-06-10. Review status: criteria provided, single submitter. Criteria: ACMG Guidelines, 2015. Collection method: clinical testing. Allele origin: germline.

Genome-Nilou Lab
Classification: Likely pathogenic for Cobalamin C disease. Last evaluated: 2023-04-11. Review status: criteria provided, single submitter. Criteria: ACMG Guidelines, 2015. Collection method: clinical testing. Allele origin: germline. Affected: no.

Literature cited by the submitters: PubMed 28693988 (cited by Labcorp Genetics (formerly Invitae), Labcorp).